The following is an entry in ClinVar:

ClinVar aggregate classification (germline): Uncertain significance (1 of 4 stars; one submission).

Conditions:
Charcot-Marie-Tooth disease axonal type 2C (HMSN2C). Also called: CHARCOT-MARIE-TOOTH DISEASE, AXONAL, AUTOSOMAL DOMINANT, TYPE 2C; Charcot-Marie-Tooth Neuropathy Type 2C; Charcot-Marie-Tooth Disease Type 2, TRPV4-Related (CMT2C). Identifiers: Orphanet 99937, MedGen C1853710, MONDO:0011633, OMIM 606071.

Allele frequency attached by ClinVar (database versions not stated): TOPMed 0.00001.

Submission:

Labcorp Genetics (formerly Invitae), Labcorp
Classification: Uncertain significance for Charcot-Marie-Tooth disease axonal type 2C. Last evaluated: 2024-06-22. Review status: criteria provided, single submitter. Criteria: Invitae Variant Classification Sherloc (09022015). Collection method: clinical testing. Allele origin: germline.
Comment: This sequence change replaces arginine, which is basic and polar, with histidine, which is basic and polar, at codon 68 of the TRPV4 protein (p.Arg68His). This variant is present in population databases (rs747215384, gnomAD 0.003%). This variant has not been reported in the literature in individuals affected with TRPV4-related conditions. ClinVar contains an entry for this variant (Variation ID: 960344). Advanced modeling of protein sequence and biophysical properties (such as structural, functional, and spatial information, amino acid conservation, physicochemical variation, residue mobility, and thermodynamic stability) has been performed at Invitae for this missense variant, however the output from this modeling did not meet the statistical confidence thresholds required to predict the impact of this variant on TRPV4 protein function. In summary, the available evidence is currently insufficient to determine the role of this variant in disease. Therefore, it has been classified as a Variant of Uncertain Significance.

NM_021625.5(TRPV4):c.203G>A (p.Arg68His)

Gene: TRPV4 (transient receptor potential cation channel subfamily V member 4; minus strand). Cytogenetic location: 12q24.11.
Variant type: single nucleotide variant.
Coding change: c.203G>A on transcript NM_021625.5 (MANE Select); coding-DNA position 203, G replaced by A.
Protein change: p.Arg68His; replaces arginine 68 with histidine.
Molecular consequence: missense variant.
Genome position (GRCh38, 1-based): chr12:109,814,594, C>T on the plus strand (G>A on the coding strand, the complement: TRPV4 is on the minus strand). VCF-style: chr12-109814594-C-T. GRCh37 (hg19) VCF-style: chr12-110252399-C-T.
Other names: c.203G>A, p.Arg68His (NM_001177428.2, NM_001177433.2, NM_147204.3); c.101G>A, p.Arg34His (NM_001177431.2); short protein forms R68H, R34H.
Identifiers: ClinVar variation 960344 (VCV000960344.9), dbSNP rs747215384, ClinGen allele CA6780593.